The following is an entry in ClinVar:

NM_177433.3(MAGED2):c.1687G>A (p.Ala563Thr)

Gene: MAGED2 (MAGE family member D2; plus strand). Cytogenetic location: Xp11.21.
Variant type: single nucleotide variant.
Coding change: c.1687G>A on transcript NM_177433.3 (MANE Select); coding-DNA position 1687, G replaced by A.
Protein change: p.Ala563Thr; replaces alanine 563 with threonine.
Molecular consequence: missense variant.
Genome position (GRCh38, 1-based): chrX:54,815,548, G>A. VCF-style: chrX-54815548-G-A. GRCh37 (hg19) VCF-style: chrX-54841981-G-A.
Other names: c.1687G>A, p.Ala563Thr (NM_014599.6, NM_201222.3); short protein forms A563T.
Identifiers: ClinVar variation 1948858 (VCV001948858.5), dbSNP rs763080639, ClinGen allele CA328940796.

ClinVar aggregate classification (germline): Uncertain significance (1 of 4 stars; one submission).

Allele frequency attached by ClinVar (database versions not stated): gnomAD 0.00002; TOPMed 0.00002; gnomAD exomes 0.00005.
gnomAD v4.1: 50 of 1,176,702 alleles (0.0042%); highest among the groups gnomAD compares: Non-Finnish European, 0.0055%; no homozygotes.

Submission:

Labcorp Genetics (formerly Invitae), Labcorp
Classification: Uncertain significance. Last evaluated: 2023-04-15. Review status: criteria provided, single submitter. Criteria: Invitae Variant Classification Sherloc (09022015). Collection method: clinical testing. Allele origin: germline.
Comment: In summary, the available evidence is currently insufficient to determine the role of this variant in disease. Therefore, it has been classified as a Variant of Uncertain Significance. Experimental studies and prediction algorithms are not available or were not evaluated, and the functional significance of this variant is currently unknown. ClinVar contains an entry for this variant (Variation ID: 1948858). This variant has not been reported in the literature in individuals affected with MAGED2-related conditions. This variant is present in population databases (rs763080639, gnomAD 0.002%). This sequence change replaces alanine, which is neutral and non-polar, with threonine, which is neutral and polar, at codon 563 of the MAGED2 protein (p.Ala563Thr).